The following is an entry in ClinVar:

ClinVar aggregate classification (germline): Uncertain significance. Review status: criteria provided, multiple submitters, no conflicts (2 of 4 stars). 2 submissions from 2 submitters: Uncertain significance (2). Last evaluated 2022-09-05.

Conditions:
Naxos disease (NXD). Also called: KERATOSIS PALMOPLANTARIS WITH ARRHYTHMOGENIC CARDIOMYOPATHY; MAL DE NAXOS; PALMOPLANTAR KERATODERMA WITH ARRHYTHMOGENIC RIGHT VENTRICULAR CARDIOMYOPATHY AND WOOLLY HAIR; WOOLLY HAIR, PALMOPLANTAR KERATODERMA, AND CARDIAC ABNORMALITIES; CARDIOMYOPATHY, ARRHYTHMOGENIC RIGHT VENTRICULAR, WITH SKIN, HAIR, AND NAIL ABNORMALITIES. Identifiers: Orphanet 34217, MedGen C1832600, MONDO:0011017, OMIM 601214.
Arrhythmogenic right ventricular dysplasia 12. Also called: ARRHYTHMOGENIC RIGHT VENTRICULAR DYSPLASIA, FAMILIAL, 12. Identifiers: MedGen C1969081, MONDO:0012684, OMIM 611528.
Cardiovascular phenotype. Identifiers: MedGen CN230736.

Allele frequency attached by ClinVar (database versions not stated): gnomAD 0.00001; TOPMed 0.00002.
gnomAD v4.1: 2 of 1,614,096 alleles (0.00012%); highest among the groups gnomAD compares: Admixed American, 0.0033%; no homozygotes.

Submissions (2):

Ambry Genetics
Classification: Uncertain significance for Cardiovascular phenotype. Last evaluated: 2022-09-05. Review status: criteria provided, single submitter. Criteria: Ambry Variant Classification Scheme 2023. Collection method: clinical testing. Allele origin: germline.
Comment: The p.D449G variant (also known as c.1346A>G), located in coding exon 7 of the JUP gene, results from an A to G substitution at nucleotide position 1346. The aspartic acid at codon 449 is replaced by glycine, an amino acid with similar properties. This amino acid position is conserved. In addition, this alteration is predicted to be tolerated by in silico analysis. Since supporting evidence is limited at this time, the clinical significance of this alteration remains unclear.

Labcorp Genetics (formerly Invitae), Labcorp
Classification: Uncertain significance for Arrhythmogenic right ventricular dysplasia 12; Naxos disease. Last evaluated: 2022-07-14. Review status: criteria provided, single submitter. Criteria: Invitae Variant Classification Sherloc (09022015). Collection method: clinical testing. Allele origin: germline.
Comment: This sequence change replaces aspartic acid, which is acidic and polar, with glycine, which is neutral and non-polar, at codon 449 of the JUP protein (p.Asp449Gly). This variant is not present in population databases (gnomAD no frequency). This variant has not been reported in the literature in individuals affected with JUP-related conditions. Algorithms developed to predict the effect of missense changes on protein structure and function are either unavailable or do not agree on the potential impact of this missense change (SIFT: "Deleterious"; PolyPhen-2: "Benign"; Align-GVGD: "Class C0"). In summary, the available evidence is currently insufficient to determine the role of this variant in disease. Therefore, it has been classified as a Variant of Uncertain Significance.

NM_002230.4(JUP):c.1346A>G (p.Asp449Gly)

Gene: JUP (junction plakoglobin; minus strand). Cytogenetic location: 17q21.2.
Variant type: single nucleotide variant.
Coding change: c.1346A>G on transcript NM_002230.4 (MANE Select); coding-DNA position 1346, A replaced by G.
Protein change: p.Asp449Gly; replaces aspartic acid 449 with glycine.
Molecular consequence: missense variant.
Genome position (GRCh38, 1-based): chr17:41,763,134, T>C on the plus strand (A>G on the coding strand, the complement: JUP is on the minus strand). VCF-style: chr17-41763134-T-C. GRCh37 (hg19) VCF-style: chr17-39919386-T-C.
Other names: c.1346A>G, p.Asp449Gly (NM_001352773.2, NM_001352774.2, NM_001352775.2 and 3 more transcripts); short protein forms D449G.
Identifiers: ClinVar variation 1770473 (VCV001770473.7), dbSNP rs1174382765, ClinGen allele CA399496921.
Genomic context (GRCh38, chr17:41,763,134, plus strand): 5'-GCCTCAGGGTGGCGGCTAGTGAGGTGGCGCAGAGCGCAGACGGCAGGCTCCGTGATGTCG[T>C]CCTTGTCACCAGCACGCAGGATGGCATGGATGAGAGCCTCCACACCGCTGTTCTGTGTCA-3'
Protein context (NP_002221.1, residues 439-459): IHAILRAGDK[Asp449Gly]DITEPAVCAL